The following is an entry in ClinVar:

NM_021728.4(OTX2):c.677_678insTGTG (p.Leu227fs)

Gene: OTX2 (orthodenticle homeobox 2; minus strand). Cytogenetic location: 14q22.3.
Variant type: Insertion.
Coding change: c.677_678insTGTG on transcript NM_021728.4 (MANE Select); coding-DNA positions 677 to 678, TGTG inserted.
Protein change: p.Leu227fs; shifts the reading frame from leucine 227.
Molecular consequence: frameshift variant. On other transcripts: non-coding transcript variant (2).
Genome position: GRCh38 VCF-style: chr14-56801951-T-TCACA. GRCh37 (hg19) VCF-style: chr14-57268669-T-TCACA.
Other names: NR_073036.2:n.712_713insTGTG; c.653_654insTGTG, p.Leu219fs (NM_001270523.2, NM_001270524.2, NM_172337.3); c.677_678insTGTG, p.Leu227fs (NM_001270525.2); short protein forms L219fs, L227fs.
Identifiers: ClinVar variation 2412735 (VCV002412735.1), dbSNP rs2503894889, ClinGen allele CA2573332465.

ClinVar aggregate classification (germline): Uncertain significance (1 of 4 stars; one submission).

Conditions:
Syndromic microphthalmia type 5 (MCOPS5). Also called: RETINAL DYSTROPHY, EARLY-ONSET, WITH PITUITARY DYSFUNCTION; RETINAL DYSTROPHY, EARLY-ONSET, WITHOUT PITUITARY DYSFUNCTION. Identifiers: Orphanet 178364, MedGen C1864690, MONDO:0012413, OMIM 610125.

Submission:

Broad Center for Mendelian Genomics, Broad Institute of MIT and Harvard
Classification: Uncertain significance for Syndromic microphthalmia type 5. Last evaluated: 2023-01-25. Review status: criteria provided, single submitter. Criteria: ACMG Guidelines, 2015. Collection method: curation. Allele origin: germline. Inheritance: Autosomal dominant inheritance.
Comment: The p.Leu227ValfsTer34 variant in OTX2 has not been previously reported in individuals with early-onset retinal dystrophy with or without pituitary dysfunction. This variant was absent from large population studies. This variant is predicted to cause a frameshift, which alters the protein‚Äôs amino acid sequence beginning at position 227 and leads to a premature termination codon 34 amino acids downstream. This termination codon occurs within the terminal 50 bases of the last exon and is more likely to escape nonsense mediated decay (NMD) and result in a truncated protein. Heterozygous loss of function of the OTX2 gene is an established disease mechanism in autosomal dominant early-onset retinal dystrophy with or without pituitary dysfunction. In summary, the clinical significance of the p.Leu227ValfsTer34 variant is uncertain. ACMG/AMP Criteria applied: PVS1_Moderate, PM2_Supporting (Richards 2015).